The following is an entry in ClinVar:

NM_080680.3(COL11A2):c.3752C>T (p.Pro1251Leu)

Gene: COL11A2 (collagen type XI alpha 2 chain; minus strand). Cytogenetic location: 6p21.32.
Variant type: single nucleotide variant.
Coding change: c.3752C>T on transcript NM_080680.3 (MANE Select); coding-DNA position 3752, C replaced by T.
Protein change: p.Pro1251Leu; replaces proline 1251 with leucine.
Molecular consequence: missense variant.
Genome position (GRCh38, 1-based): chr6:33,169,429, G>A on the plus strand (C>T on the coding strand, the complement: COL11A2 is on the minus strand). VCF-style: chr6-33169429-G-A. GRCh37 (hg19) VCF-style: chr6-33137206-G-A.
Other names: c.3431C>T, p.Pro1144Leu (NM_080679.3); c.3494C>T, p.Pro1165Leu (NM_080681.3); short protein forms P1251L, P1165L, P1144L.
Identifiers: ClinVar variation 2539095 (VCV002539095.3), dbSNP rs2534716393, ClinGen allele CA363627702.
Genomic context (GRCh38, chr6:33,169,429, plus strand): 5'-TGCCCCAAACTCACAGGGTTCCCTTTGGGGCCATCATCGCCTGTGGGGCCTTTAGGCCCT[G>A]GTGGCCCTGGCTCTCCTGGCTGCCCCGACTCTCCTTTCTCTCCACGTTCCCCGCGTGGAC-3'
Protein context (NP_542411.2, residues 1241-1261): ESGQPGEPGP[Pro1251Leu]GPKGPTGDDG

ClinVar aggregate classification (germline): Uncertain significance. Review status: criteria provided, multiple submitters, no conflicts (2 of 4 stars). 2 submissions from 2 submitters: Uncertain significance (2). Last evaluated 2024-05-01.

Conditions:
Inborn genetic diseases. Identifiers: MedGen C0950123, MeSH D030342.

Submissions (2):

GeneDx
Classification: Uncertain significance. Last evaluated: 2024-05-01. Review status: criteria provided, single submitter. Criteria: GeneDx Variant Classification Process June 2021. Collection method: clinical testing. Allele origin: germline. Affected: yes.
Comment: Not observed at significant frequency in large population cohorts (gnomAD); In silico analysis supports that this missense variant has a deleterious effect on protein structure/function; Has not been previously published as pathogenic or benign to our knowledge

Ambry Genetics
Classification: Uncertain significance for Inborn genetic diseases. Last evaluated: 2023-04-19. Review status: criteria provided, single submitter. Criteria: Ambry Variant Classification Scheme 2023. Collection method: clinical testing. Allele origin: germline.